The following is an entry in ClinVar:

ClinVar aggregate classification (germline): Uncertain significance (1 of 4 stars; one submission).

Conditions:
Renal cell carcinoma. Identifiers: Orphanet 217071, MedGen C0007134, MeSH D002292, MONDO:0005086, HP:0005584.

Submission:

Labcorp Genetics (formerly Invitae), Labcorp
Classification: Uncertain significance for Renal cell carcinoma. Last evaluated: 2023-09-26. Review status: criteria provided, single submitter. Criteria: Invitae Variant Classification Sherloc (09022015). Collection method: clinical testing. Allele origin: germline.
Comment: This sequence change replaces isoleucine, which is neutral and non-polar, with phenylalanine, which is neutral and non-polar, at codon 341 of the MET protein (p.Ile341Phe). This variant is not present in population databases (gnomAD no frequency). This variant has not been reported in the literature in individuals affected with MET-related conditions. Advanced modeling of protein sequence and biophysical properties (such as structural, functional, and spatial information, amino acid conservation, physicochemical variation, residue mobility, and thermodynamic stability) performed at Invitae indicates that this missense variant is expected to disrupt MET protein function. In summary, the available evidence is currently insufficient to determine the role of this variant in disease. Therefore, it has been classified as a Variant of Uncertain Significance.

NM_000245.4(MET):c.1021A>T (p.Ile341Phe)

Gene: MET (MET proto-oncogene, receptor tyrosine kinase; plus strand). Cytogenetic location: 7q31.2.
Variant type: single nucleotide variant.
Coding change: c.1021A>T on transcript NM_000245.4 (MANE Select); coding-DNA position 1021, A replaced by T.
Protein change: p.Ile341Phe; replaces isoleucine 341 with phenylalanine.
Molecular consequence: missense variant. On other transcripts: intron variant (1).
Genome position (GRCh38, 1-based): chr7:116,700,105, A>T. VCF-style: chr7-116700105-A-T. GRCh37 (hg19) VCF-style: chr7-116340159-A-T.
Other names: c.1021A>T, p.Ile341Phe (NM_001127500.3, NM_001324401.3); c.-91+27528A>T (NM_001324402.2); short protein forms I341F.
Identifiers: ClinVar variation 2763567 (VCV002763567.3), dbSNP rs1791513686, ClinGen allele CA368970370.